The following is an entry in ClinVar:

NM_003331.5(TYK2):c.1045G>A (p.Ala349Thr)

Gene: TYK2 (tyrosine kinase 2; minus strand). Cytogenetic location: 19p13.2.
Variant type: single nucleotide variant.
Coding change: c.1045G>A on transcript NM_003331.5 (MANE Select); coding-DNA position 1045, G replaced by A.
Protein change: p.Ala349Thr; replaces alanine 349 with threonine.
Molecular consequence: missense variant. On other transcripts: intron variant (1).
Genome position (GRCh38, 1-based): chr19:10,365,015, C>T on the plus strand (G>A on the coding strand, the complement: TYK2 is on the minus strand). VCF-style: chr19-10365015-C-T. GRCh37 (hg19) VCF-style: chr19-10475691-C-T.
Other names: c.1045G>A, p.Ala349Thr (NM_001385197.1, NM_001385198.1, NM_001385199.1 and 7 more transcripts); c.955G>A, p.Ala319Thr (NM_001385205.1); c.1012-244G>A (NM_001385201.1); short protein forms A349T, A319T.
Identifiers: ClinVar variation 2159632 (VCV002159632.4), dbSNP rs2512552728, ClinGen allele CA404015305.

ClinVar aggregate classification (germline): Uncertain significance (1 of 4 stars; one submission).

Conditions:
Immunodeficiency 35 (IMD35). Also called: HIES WITH ATYPICAL MYCOBACTERIOSIS, AUTOSOMAL RECESSIVE; HYPER-IgE SYNDROME WITH ATYPICAL MYCOBACTERIOSIS, AUTOSOMAL RECESSIVE; Susceptibility to infection due to TYK2 deficiency; TYK2 DEFICIENCY. Identifiers: Orphanet 331226, MedGen C1969086, MONDO:0012682, OMIM 611521.

Allele frequency attached by ClinVar (database versions not stated): gnomAD exomes below 0.00001.
gnomAD v4.1: 4 of 1,609,462 alleles (0.00025%); highest among the groups gnomAD compares: Non-Finnish European, 0.00034%; no homozygotes.

Submission:

Labcorp Genetics (formerly Invitae), Labcorp
Classification: Uncertain significance for Immunodeficiency 35. Last evaluated: 2023-06-15. Review status: criteria provided, single submitter. Criteria: Invitae Variant Classification Sherloc (09022015). Collection method: clinical testing. Allele origin: germline.
Comment: This sequence change replaces alanine, which is neutral and non-polar, with threonine, which is neutral and polar, at codon 349 of the TYK2 protein (p.Ala349Thr). This variant is not present in population databases (gnomAD no frequency). In summary, the available evidence is currently insufficient to determine the role of this variant in disease. Therefore, it has been classified as a Variant of Uncertain Significance. Algorithms developed to predict the effect of missense changes on protein structure and function output the following: SIFT: "Not Available"; PolyPhen-2: "Benign"; Align-GVGD: "Not Available". The threonine amino acid residue is found in multiple mammalian species, which suggests that this missense change does not adversely affect protein function. ClinVar contains an entry for this variant (Variation ID: 2159632). This variant has not been reported in the literature in individuals affected with TYK2-related conditions.